The following is an entry in ClinVar:

NM_001364171.2(ODAD1):c.706G>A (p.Ala236Thr)

Gene: ODAD1 (outer dynein arm docking complex subunit 1; minus strand). Cytogenetic location: 19q13.33.
Variant type: single nucleotide variant.
Coding change: c.706G>A on transcript NM_001364171.2 (MANE Select); coding-DNA position 706, G replaced by A.
Protein change: p.Ala236Thr; replaces alanine 236 with threonine.
Molecular consequence: missense variant.
Genome position (GRCh38, 1-based): chr19:48,304,100, C>T on the plus strand (G>A on the coding strand, the complement: ODAD1 is on the minus strand). VCF-style: chr19-48304100-C-T. GRCh37 (hg19) VCF-style: chr19-48807357-C-T.
Other names: c.595G>A, p.Ala199Thr (NM_144577.4); short protein forms A199T, A236T.
Identifiers: ClinVar variation 2333891 (VCV002333891.2), dbSNP rs192848164, ClinGen allele CA9548980.

ClinVar aggregate classification (germline): Uncertain significance (1 of 4 stars; one submission).

Conditions:
Primary ciliary dyskinesia. Also called: Ciliary dyskinesia. Identifiers: Orphanet 244, MedGen C0008780, MONDO:0016575, HP:0012265.

Allele frequency attached by ClinVar (database versions not stated): TOPMed below 0.00001; ExAC 0.00001; gnomAD 0.00001; gnomAD exomes 0.00001.
gnomAD v4.1: 11 of 1,613,370 alleles (0.00068%); highest among the groups gnomAD compares: Non-Finnish European, 0.00076%; no homozygotes.

Submission:

Ambry Genetics
Classification: Uncertain significance for Primary ciliary dyskinesia. Last evaluated: 2023-07-24. Review status: criteria provided, single submitter. Criteria: Ambry Variant Classification Scheme 2023. Collection method: clinical testing. Allele origin: germline.
Comment: The p.A199T variant (also known as c.595G>A), located in coding exon 6 of the CCDC114 gene, results from a G to A substitution at nucleotide position 595. The alanine at codon 199 is replaced by threonine, an amino acid with similar properties. This amino acid position is conserved. In addition, this alteration is predicted to be tolerated by in silico analysis. Since supporting evidence is limited at this time, the clinical significance of this alteration remains unclear.